The following is an entry in ClinVar:

ClinVar aggregate classification (germline): Benign. Review status: criteria provided, multiple submitters, no conflicts (2 of 4 stars). 3 submissions from 3 submitters: Benign (3). Last evaluated 2025-12-15.

Allele frequency attached by ClinVar (database versions not stated): gnomAD exomes 0.00115 and 0.00358; ExAC 0.00468; gnomAD 0.01398 and 0.01481; TOPMed 0.01571; ESP Exome Variant Server 0.01587; 1000 Genomes Project 0.01797; 1000 Genomes Project 30x 0.01936.

Submissions (3):

Labcorp Genetics (formerly Invitae), Labcorp
Classification: Benign. Last evaluated: 2025-12-15. Review status: criteria provided, single submitter. Criteria: Invitae Variant Classification Sherloc (09022015). Collection method: clinical testing. Allele origin: germline.

CeGaT Center for Human Genetics Tuebingen
Classification: Benign. Last evaluated: 2025-06-01. Review status: criteria provided, single submitter. Criteria: CeGaT Center For Human Genetics Tuebingen Variant Classification Criteria Version 2. Collection method: clinical testing. Allele origin: germline. Affected: yes. Observed: 1 variant allele.
Comment: ERBB2: BP4, BP7, BS1, BS2

Breakthrough Genomics
Classification: Benign. Review status: criteria provided, single submitter. Criteria: ACMG Guidelines, 2015. Collection method: not provided. Allele origin: germline. Inheritance: Autosomal recessive inheritance. Affected: yes.

NM_004448.4(ERBB2):c.99G>A (p.Leu33=)

Gene: ERBB2 (erb-b2 receptor tyrosine kinase 2; plus strand). Cytogenetic location: 17q12.
Variant type: single nucleotide variant.
Coding change: c.99G>A on transcript NM_004448.4 (MANE Select); coding-DNA position 99, G replaced by A.
Protein change: p.Leu33=; no amino-acid change (leucine 33 retained).
Molecular consequence: synonymous variant. On other transcripts: non-coding transcript variant (1), intron variant (1).
Genome position (GRCh38, 1-based): chr17:39,707,015, G>A. VCF-style: chr17-39707015-G-A. GRCh37 (hg19) VCF-style: chr17-37863268-G-A.
Other names: c.9G>A, p.Leu3= (NM_001005862.3, NM_001289938.2, NM_001382782.1 and 1 more transcripts); c.54G>A, p.Leu18= (NM_001289936.2); c.99G>A, p.Leu33= (NM_001289937.2, NM_001382784.1, NM_001382785.1 and 20 more transcripts); c.74-4913G>A (NM_001382804.1).
Identifiers: ClinVar variation 781280 (VCV000781280.20), dbSNP rs4252610, ClinGen allele CA8533534.